The following is an entry in ClinVar:

ClinVar aggregate classification (germline): Uncertain significance (1 of 4 stars; one submission).

Allele frequency attached by ClinVar (database versions not stated): ExAC 0.00001; gnomAD exomes 0.00001.
gnomAD v4.1: 10 of 1,592,384 alleles (0.00063%); highest among the groups gnomAD compares: Non-Finnish European, 0.00069%; no homozygotes.

Submission:

Labcorp Genetics (formerly Invitae), Labcorp
Classification: Uncertain significance. Last evaluated: 2022-06-28. Review status: criteria provided, single submitter. Criteria: Invitae Variant Classification Sherloc (09022015). Collection method: clinical testing. Allele origin: germline.
Comment: Algorithms developed to predict the effect of missense changes on protein structure and function (SIFT, PolyPhen-2, Align-GVGD) all suggest that this variant is likely to be tolerated. This variant has not been reported in the literature in individuals affected with SLIT2-related conditions. This sequence change replaces asparagine, which is neutral and polar, with serine, which is neutral and polar, at codon 1372 of the SLIT2 protein (p.Asn1372Ser). This variant is present in population databases (rs762916905, gnomAD 0.0009%). In summary, the available evidence is currently insufficient to determine the role of this variant in disease. Therefore, it has been classified as a Variant of Uncertain Significance.

NM_004787.4(SLIT2):c.4115A>G (p.Asn1372Ser)

Gene: SLIT2 (slit guidance ligand 2; plus strand). Cytogenetic location: 4p15.31.
Variant type: single nucleotide variant.
Coding change: c.4115A>G on transcript NM_004787.4 (MANE Select); coding-DNA position 4115, A replaced by G.
Protein change: p.Asn1372Ser; replaces asparagine 1372 with serine.
Molecular consequence: missense variant.
Genome position (GRCh38, 1-based): chr4:20,617,177, A>G. VCF-style: chr4-20617177-A-G. GRCh37 (hg19) VCF-style: chr4-20618800-A-G.
Other names: c.4103A>G, p.Asn1368Ser (NM_001289135.3); c.4091A>G, p.Asn1364Ser (NM_001289136.3); short protein forms N1364S, N1368S, N1372S.
Identifiers: ClinVar variation 1940141 (VCV001940141.5), dbSNP rs762916905, ClinGen allele CA2872353.